The following is an entry in ClinVar:

NM_133433.4(NIPBL):c.524C>T (p.Pro175Leu)

Gene: NIPBL (NIPBL cohesin loading factor; plus strand). Cytogenetic location: 5p13.2.
Variant type: single nucleotide variant.
Coding change: c.524C>T on transcript NM_133433.4 (MANE Select); coding-DNA position 524, C replaced by T.
Protein change: p.Pro175Leu; replaces proline 175 with leucine.
Molecular consequence: missense variant.
Genome position (GRCh38, 1-based): chr5:36,962,188, C>T. VCF-style: chr5-36962188-C-T. GRCh37 (hg19) VCF-style: chr5-36962290-C-T.
Other names: c.524C>T, p.Pro175Leu (NM_015384.5); short protein forms P175L.
Identifiers: ClinVar variation 1746340 (VCV001746340.4), dbSNP rs1224541280, ClinGen allele CA359476622.

ClinVar aggregate classification (germline): Uncertain significance. Review status: criteria provided, multiple submitters, no conflicts (2 of 4 stars). 2 submissions from 2 submitters: Uncertain significance (2). Last evaluated 2022-09-16.

Conditions:
Inborn genetic diseases. Identifiers: MedGen C0950123, MeSH D030342.
Cornelia de Lange syndrome 1 (CDLS1). Also called: TYPUS DEGENERATIVUS AMSTELODAMENSIS; Brachmann de Lange syndrome; NIPBL-Related Cornelia de Lange Syndrome. Identifiers: Orphanet 199, MedGen C4551851, MONDO:0007387, OMIM 122470.

Allele frequency attached by ClinVar (database versions not stated): gnomAD exomes below 0.00001.
gnomAD v4.1: 3 of 1,614,076 alleles (0.00019%); highest among the groups gnomAD compares: Non-Finnish European, 0.00017%; no homozygotes.

Submissions (2):

MVZ Martinsried, Medicover Genetics
Classification: Uncertain significance for Cornelia de Lange syndrome 1. Last evaluated: 2022-09-16. Review status: criteria provided, single submitter. Criteria: ACGS Guidelines, 2020. Collection method: clinical testing. Allele origin: unknown. Affected: yes.

Ambry Genetics
Classification: Uncertain significance for Inborn genetic diseases. Last evaluated: 2019-01-08. Review status: criteria provided, single submitter. Criteria: Ambry Variant Classification Scheme 2023. Collection method: clinical testing. Allele origin: germline.
Comment: The p.P175L variant (also known as c.524C>T), located in coding exon 5 of the NIPBL gene, results from a C to T substitution at nucleotide position 524. The proline at codon 175 is replaced by leucine, an amino acid with similar properties. This amino acid position is highly conserved in available vertebrate species. In addition, this alteration is predicted to be deleterious by in silico analysis. Since supporting evidence is limited at this time, the clinical significance of this alteration remains unclear.